The following is an entry in ClinVar:

ClinVar aggregate classification (germline): Uncertain significance. Review status: criteria provided, multiple submitters, no conflicts (2 of 4 stars). 2 submissions from 2 submitters: Uncertain significance (2). Last evaluated 2024-02-05.

Conditions:
Desmosterolosis. Identifiers: Orphanet 35107, MedGen C1865596, MONDO:0011217, OMIM 602398.

Allele frequency attached by ClinVar (database versions not stated): gnomAD exomes below 0.00001.
gnomAD v4.1: 6 of 1,612,850 alleles (0.00037%); highest among the groups gnomAD compares: Non-Finnish European, 0.00051%; no homozygotes.

Submissions (2):

Fulgent Genetics
Classification: Uncertain significance for Desmosterolosis. Last evaluated: 2024-02-05. Review status: criteria provided, single submitter. Criteria: ACMG Guidelines, 2015. Collection method: clinical testing. Allele origin: germline.

Labcorp Genetics (formerly Invitae), Labcorp
Classification: Uncertain significance. Last evaluated: 2022-07-06. Review status: criteria provided, single submitter. Criteria: Invitae Variant Classification Sherloc (09022015). Collection method: clinical testing. Allele origin: germline.
Comment: This sequence change replaces isoleucine, which is neutral and non-polar, with valine, which is neutral and non-polar, at codon 342 of the DHCR24 protein (p.Ile342Val). This variant is not present in population databases (gnomAD no frequency). This variant has not been reported in the literature in individuals affected with DHCR24-related conditions. ClinVar contains an entry for this variant (Variation ID: 1499036). Algorithms developed to predict the effect of missense changes on protein structure and function are either unavailable or do not agree on the potential impact of this missense change (SIFT: "Deleterious"; PolyPhen-2: "Benign"; Align-GVGD: "Class C25"). In summary, the available evidence is currently insufficient to determine the role of this variant in disease. Therefore, it has been classified as a Variant of Uncertain Significance.

NM_014762.4(DHCR24):c.1024A>G (p.Ile342Val)

Gene: DHCR24 (24-dehydrocholesterol reductase; minus strand). Cytogenetic location: 1p32.3.
Variant type: single nucleotide variant.
Coding change: c.1024A>G on transcript NM_014762.4 (MANE Select); coding-DNA position 1024, A replaced by G.
Protein change: p.Ile342Val; replaces isoleucine 342 with valine.
Molecular consequence: missense variant.
Genome position (GRCh38, 1-based): chr1:54,854,231, T>C on the plus strand (A>G on the coding strand, the complement: DHCR24 is on the minus strand). VCF-style: chr1-54854231-T-C. GRCh37 (hg19) VCF-style: chr1-55319904-T-C.
Other names: short protein forms I342V.
Identifiers: ClinVar variation 1499036 (VCV001499036.7), dbSNP rs2101555676, ClinGen allele CA340452700.